The following is an entry in ClinVar:

NM_002427.4(MMP13):c.598C>T (p.His200Tyr)

Gene: MMP13 (matrix metallopeptidase 13; minus strand). Cytogenetic location: 11q22.2.
Variant type: single nucleotide variant.
Coding change: c.598C>T on transcript NM_002427.4 (MANE Select); coding-DNA position 598, C replaced by T.
Protein change: p.His200Tyr; replaces histidine 200 with tyrosine.
Molecular consequence: missense variant.
Genome position (GRCh38, 1-based): chr11:102,954,195, G>A on the plus strand (C>T on the coding strand, the complement: MMP13 is on the minus strand). VCF-style: chr11-102954195-G-A. GRCh37 (hg19) VCF-style: chr11-102824924-G-A.
Other names: short protein forms H200Y.
Identifiers: ClinVar variation 2117385 (VCV002117385.4), dbSNP rs2496466973, ClinGen allele CA382230349.

ClinVar aggregate classification (germline): Uncertain significance (1 of 4 stars; one submission).

Allele frequency attached by ClinVar (database versions not stated): gnomAD exomes below 0.00001.

Submission:

Labcorp Genetics (formerly Invitae), Labcorp
Classification: Uncertain significance. Last evaluated: 2022-09-01. Review status: criteria provided, single submitter. Criteria: Invitae Variant Classification Sherloc (09022015). Collection method: clinical testing. Allele origin: germline.
Comment: In summary, the available evidence is currently insufficient to determine the role of this variant in disease. Therefore, it has been classified as a Variant of Uncertain Significance. Algorithms developed to predict the effect of missense changes on protein structure and function (SIFT, PolyPhen-2, Align-GVGD) all suggest that this variant is likely to be disruptive. This variant has not been reported in the literature in individuals affected with MMP13-related conditions. This variant is not present in population databases (gnomAD no frequency). This sequence change replaces histidine, which is basic and polar, with tyrosine, which is neutral and polar, at codon 200 of the MMP13 protein (p.His200Tyr).